The following is an entry in ClinVar:

NM_006073.4(TRDN):c.1484A>G (p.Lys495Arg)

Gene: TRDN (triadin; minus strand). Cytogenetic location: 6q22.31.
Variant type: single nucleotide variant.
Coding change: c.1484A>G on transcript NM_006073.4 (MANE Select); coding-DNA position 1484, A replaced by G.
Protein change: p.Lys495Arg; replaces lysine 495 with arginine.
Molecular consequence: missense variant.
Genome position (GRCh38, 1-based): chr6:123,316,483, T>C on the plus strand (A>G on the coding strand, the complement: TRDN is on the minus strand). VCF-style: chr6-123316483-T-C. GRCh37 (hg19) VCF-style: chr6-123637628-T-C.
Other names: short protein forms K495R.
Identifiers: ClinVar variation 3900626 (VCV003900626.1).

ClinVar aggregate classification (germline): Uncertain significance (1 of 4 stars; one submission).

Conditions:
Catecholaminergic polymorphic ventricular tachycardia 5 (CARDAR). Also called: CARDIAC ARRHYTHMIA SYNDROME, WITH OR WITHOUT SKELETAL MUSCLE WEAKNESS; Ventricular tachycardia, catecholaminergic polymorphic, 5, with or without muscle weakness. Identifiers: Orphanet 3286, MedGen C3809536, MONDO:0014191, OMIM 615441.

gnomAD v4.1: 1 of 1,610,562 alleles (0.000062%); highest among the groups gnomAD compares: East Asian, 0.0022%; no homozygotes.

Submission:

Clinical Genomics Laboratory, Stanford Medicine
Classification: Uncertain significance for Catecholaminergic polymorphic ventricular tachycardia 5. Last evaluated: 2022-07-07. Review status: criteria provided, single submitter. Criteria: ACMG Guidelines, 2015. Collection method: clinical testing. Allele origin: germline. Observed: 1 variant allele, 1 heterozygote.
Comment: The p.Lys495Arg variant in the TRDN gene has not been previously reported in association with disease. This variant was absent from large population databases, including the Genome Aggregation Database. Computational tools predict that this variant does not impact protein function; however, the accuracy of in silico algorithms is limited. These data were assessed using the ACMG/AMP variant interpretation guidelines. In summary, the significance of the p.Lys495Arg variant is uncertain. Additional information is needed to resolve the significance of this variant. [ACMG evidence codes used: PM2; BP4]